The following is an entry in ClinVar:

NM_000536.4(RAG2):c.1105A>G (p.Thr369Ala)

Gene: RAG2 (recombination activating 2; minus strand). Cytogenetic location: 11p12.
Variant type: single nucleotide variant.
Coding change: c.1105A>G on transcript NM_000536.4 (MANE Select); coding-DNA position 1105, A replaced by G.
Protein change: p.Thr369Ala; replaces threonine 369 with alanine.
Molecular consequence: missense variant.
Genome position (GRCh38, 1-based): chr11:36,593,064, T>C on the plus strand (A>G on the coding strand, the complement: RAG2 is on the minus strand). VCF-style: chr11-36593064-T-C. GRCh37 (hg19) VCF-style: chr11-36614614-T-C.
Other names: c.1105A>G, p.Thr369Ala (NM_001243785.2, NM_001243786.2); short protein forms T369A.
Identifiers: ClinVar variation 3749801 (VCV003749801.2).

ClinVar aggregate classification (germline): Uncertain significance (1 of 4 stars; one submission).

Conditions:
Severe combined immunodeficiency, autosomal recessive, T cell-negative, B cell-negative, NK cell-positive. Also called: Severe combined immunodeficiency due to complete RAG1/2 deficiency; SCID, T CELL-NEGATIVE, B CELL-NEGATIVE, NK CELL-POSITIVE; SCID, AR, T-cell negative, B-cell negative, NK cell-positive. Identifiers: Orphanet 331206, MedGen C1832322, MONDO:0011086, OMIM 601457.
Combined immunodeficiency with skin granulomas. Identifiers: Orphanet 157949, MedGen C2673536, MONDO:0009306, OMIM 233650.

gnomAD v4.1: 1 of 1,614,212 alleles (0.000062%); highest among the groups gnomAD compares: Non-Finnish European, 0.000085%; no homozygotes.

Submission:

Labcorp Genetics (formerly Invitae), Labcorp
Classification: Uncertain significance for Combined immunodeficiency with skin granulomas; Severe combined immunodeficiency, autosomal recessive, T cell-negative, B cell-negative, NK cell-positive. Last evaluated: 2024-10-23. Review status: criteria provided, single submitter. Criteria: Invitae Variant Classification Sherloc (09022015). Collection method: clinical testing. Allele origin: germline.
Comment: This sequence change replaces threonine, which is neutral and polar, with alanine, which is neutral and non-polar, at codon 369 of the RAG2 protein (p.Thr369Ala). This variant is not present in population databases (gnomAD no frequency). This variant has not been reported in the literature in individuals affected with RAG2-related conditions. Invitae Evidence Modeling of protein sequence and biophysical properties (such as structural, functional, and spatial information, amino acid conservation, physicochemical variation, residue mobility, and thermodynamic stability) indicates that this missense variant is not expected to disrupt RAG2 protein function with a negative predictive value of 80%. In summary, the available evidence is currently insufficient to determine the role of this variant in disease. Therefore, it has been classified as a Variant of Uncertain Significance.